The following is an entry in ClinVar:

NM_006206.6(PDGFRA):c.696_698del (p.Val233del)

Gene: PDGFRA (platelet derived growth factor receptor alpha; plus strand). Cytogenetic location: 4q12.
Variant type: Deletion.
Coding change: c.696_698del on transcript NM_006206.6 (MANE Select); coding-DNA positions 696 to 698, 3 bases deleted (GGT; older notation c.696_698delGGT).
Protein change: p.Val233del; deletes valine 233.
Genome position (GRCh38, 1-based): chr4:54,264,986-54,264,988, GGT deleted; deleting any 3 consecutive bases within chr4:54,264,984-54,264,988 gives the same sequence; the c. name uses the placement nearest the transcript's 3' end. VCF-style (leftmost placement, unchanged base first): chr4-54264983-TGTG-T. GRCh37 (hg19) VCF-style: chr4-55131150-TGTG-T.
Other names: c.696_698del, p.Val233del (NM_001347827.2, NM_001347829.2); c.771_773del, p.Val258del (NM_001347828.2); c.735_737del, p.Val246del (NM_001347830.2); short protein forms V233del, V246del, V258del.
Identifiers: ClinVar variation 4530350 (VCV004530350.1).

ClinVar aggregate classification (somatic clinical impact): Tier I - Strong (1 of 4 stars; one submission).

Conditions:
Diffuse glioma, H3 G34 mutant. Identifiers: MedGen CN377580, MONDO:0957197.

Submission:

Institute for Genomic Medicine (IGM) Clinical Laboratory, Nationwide Children's Hospital
Classification: Tier I - Strong for Diffuse glioma, H3 G34 mutant. Assertion type: diagnostic. Clinical significance: supports diagnosis. Last evaluated: 2024-11-26. Review status: criteria provided, single submitter. Criteria: AMP/ASCO/CAP Guidelines, 2017. Collection method: clinical testing. Allele origin: somatic. Affected: yes.
Comment: Variant has Tier I (strong) clinical significance as a diagnostic inclusion criterion in diffuse glioma, H3 G34 mutant, based on the following evidence: 1) Diagnostic for a specific tumor type/classification based on well-powered studies with expert-level consensus (Evidence Level B; PMIDs: 24705251, 25230881, 28966033, 29763623, 24705250, 33259802, 35195909).

Literature cited by the submitters: PubMed 24705251; PubMed 25230881; PubMed 28966033; PubMed 29763623; PubMed 24705250; PubMed 33259802; PubMed 35195909.